The following is an entry in ClinVar:

ClinVar aggregate classification (germline): Uncertain significance. Review status: criteria provided, multiple submitters, no conflicts (2 of 4 stars). 4 submissions from 4 submitters: Uncertain significance (2). 2 of the submissions do not count toward it. Last evaluated 2022-08-06.

Conditions:
Inborn genetic diseases. Identifiers: MedGen C0950123, MeSH D030342.
Tay-Sachs disease (TSD). Also called: HEXA DEFICIENCY; HEXA Disorders; GM2 gangliosidosis, type 1; Hexosaminidase alpha-subunit deficiency (variant B); Sphingolipidosis, Tay-Sachs; Hexosaminidase A Deficiency. Identifiers: Orphanet 845, MedGen C0039373, MONDO:0010100, OMIM 272800.

Allele frequency attached by ClinVar (database versions not stated): ExAC 0.00002; TOPMed 0.00006; gnomAD 0.00010.
gnomAD v4.1: 46 of 1,605,432 alleles (0.0029%); highest among the groups gnomAD compares: African/African-American, 0.037%; no homozygotes.

Submissions (4):

Labcorp Genetics (formerly Invitae), Labcorp
Classification: Uncertain significance for Tay-Sachs disease. Last evaluated: 2022-08-06. Review status: criteria provided, single submitter. Criteria: Invitae Variant Classification Sherloc (09022015). Collection method: clinical testing. Allele origin: germline.
Comment: This sequence change replaces alanine, which is neutral and non-polar, with valine, which is neutral and non-polar, at codon 194 of the HEXA protein (p.Ala194Val). This variant is present in population databases (rs778947516, gnomAD 0.04%). This variant has not been reported in the literature in individuals affected with HEXA-related conditions. ClinVar contains an entry for this variant (Variation ID: 458318). Algorithms developed to predict the effect of missense changes on protein structure and function are either unavailable or do not agree on the potential impact of this missense change (SIFT: "Deleterious"; PolyPhen-2: "Probably Damaging"; Align-GVGD: "Class C0"). In summary, the available evidence is currently insufficient to determine the role of this variant in disease. Therefore, it has been classified as a Variant of Uncertain Significance.

Ambry Genetics
Classification: Uncertain significance for Inborn genetic diseases. Last evaluated: 2015-06-14. Review status: criteria provided, single submitter. Criteria: Ambry Variant Classification Scheme 2023. Collection method: clinical testing. Allele origin: germline.
Comment: The p.A194V variant (also known as c.581C>T), located in coding exon 6 of the HEXA gene, results from a C to T substitution at nucleotide position 581. The alanine at codon 194 is replaced by valine, an amino acid with similar properties. This variant was not reported in population based cohorts in the following databases: Database of Single Nucleotide Polymorphisms (dbSNP), NHLBI Exome Sequencing Project (ESP), and 1000 Genomes Project. In the ESP, this variant was not observed in 6496 samples (12992 alleles) with coverage at this position. This amino acid position is highly conserved in available vertebrate species. In addition, this alteration is predicted to be deleterious by in silico analysis. Since supporting evidence is limited at this time, the clinical significance of this variant remains unclear.

Natera, Inc.
Classification: Uncertain significance for Tay-Sachs disease. Last evaluated: 2018-09-11. Review status: no assertion criteria provided. Collection method: clinical testing. Allele origin: germline. Not counted in ClinVar's aggregate classification.

Counsyl
Classification: Uncertain significance for Tay-Sachs disease. Last evaluated: 2017-11-16. Review status: no assertion criteria provided. Collection method: clinical testing. Allele origin: unknown. Not counted in ClinVar's aggregate classification.

NM_000520.6(HEXA):c.581C>T (p.Ala194Val)

Gene: HEXA (hexosaminidase subunit alpha; minus strand). Cytogenetic location: 15q23.
Variant type: single nucleotide variant.
Coding change: c.581C>T on transcript NM_000520.6 (MANE Select); coding-DNA position 581, C replaced by T.
Protein change: p.Ala194Val; replaces alanine 194 with valine.
Molecular consequence: missense variant. On other transcripts: non-coding transcript variant (1).
Genome position (GRCh38, 1-based): chr15:72,351,224, G>A on the plus strand (C>T on the coding strand, the complement: HEXA is on the minus strand). VCF-style: chr15-72351224-G-A. GRCh37 (hg19) VCF-style: chr15-72643565-G-A.
Other names: c.614C>T, p.Ala205Val (NM_001318825.2); short protein forms A194V, A205V.
Identifiers: ClinVar variation 458318 (VCV000458318.9), dbSNP rs778947516, ClinGen allele CA7644951.